The following is an entry in ClinVar:

ClinVar aggregate classification (germline): Conflicting classifications of pathogenicity. Review status: criteria provided, conflicting classifications (1 of 4 stars). 3 submissions from 3 submitters: Uncertain significance (2); Likely benign (1). Last evaluated 2025-07-30.

Conditions:
Inborn genetic diseases. Identifiers: MedGen C0950123, MeSH D030342.
KMT2A-related disorder. Also called: KMT2A-related condition.

Allele frequency attached by ClinVar (database versions not stated): gnomAD exomes 0.00001; TOPMed 0.00003.

Submissions (3):

Labcorp Genetics (formerly Invitae), Labcorp
Classification: Uncertain significance. Last evaluated: 2025-07-30. Review status: criteria provided, single submitter. Criteria: Invitae Variant Classification Sherloc (09022015). Collection method: clinical testing. Allele origin: germline.
Comment: This sequence change replaces proline, which is neutral and non-polar, with threonine, which is neutral and polar, at codon 3668 of the KMT2A protein (p.Pro3668Thr). This variant is present in population databases (no rsID available, gnomAD 0.006%). This variant has not been reported in the literature in individuals affected with KMT2A-related conditions. ClinVar contains an entry for this variant (Variation ID: 1942775). Invitae Evidence Modeling of protein sequence and biophysical properties (such as structural, functional, and spatial information, amino acid conservation, physicochemical variation, residue mobility, and thermodynamic stability) indicates that this missense variant is not expected to disrupt KMT2A protein function with a negative predictive value of 95%. In summary, the available evidence is currently insufficient to determine the role of this variant in disease. Therefore, it has been classified as a Variant of Uncertain Significance.

Ambry Genetics
Classification: Likely benign for Inborn genetic diseases. Last evaluated: 2023-05-18. Review status: criteria provided, single submitter. Criteria: Ambry Variant Classification Scheme 2023. Collection method: clinical testing. Allele origin: germline.

PreventionGenetics, part of Exact Sciences
Classification: Uncertain significance for KMT2A-related condition. Last evaluated: 2022-10-19. Review status: criteria provided, single submitter. Criteria: ACMG Guidelines, 2015. Collection method: clinical testing. Allele origin: germline.
Comment: The KMT2A c.11002C>A variant is predicted to result in the amino acid substitution p.Pro3668Thr. To our knowledge, this variant has not been reported in the literature. This variant is reported in 0.0054% of alleles in individuals of East Asian descent in gnomAD. At this time, the clinical significance of this variant is uncertain due to the absence of conclusive functional and genetic evidence.

NM_001197104.2(KMT2A):c.11002C>A (p.Pro3668Thr)

Gene: KMT2A (lysine methyltransferase 2A; plus strand). Cytogenetic location: 11q23.3.
Variant type: single nucleotide variant.
Coding change: c.11002C>A on transcript NM_001197104.2 (MANE Select); coding-DNA position 11002, C replaced by A.
Protein change: p.Pro3668Thr; replaces proline 3668 with threonine.
Molecular consequence: missense variant.
Genome position (GRCh38, 1-based): chr11:118,510,049, C>A. VCF-style: chr11-118510049-C-A. GRCh37 (hg19) VCF-style: chr11-118380764-C-A.
Other names: c.11092C>A, p.Pro3698Thr (NM_001412597.1); c.10993C>A, p.Pro3665Thr (NM_005933.4); short protein forms P3665T, P3668T, P3698T.
Identifiers: ClinVar variation 1942775 (VCV001942775.8), dbSNP rs1479477078, ClinGen allele CA382829889.